The following is an entry in ClinVar:

NM_145868.2(ANXA11):c.1488_1499del (p.Leu497_Ile500del)

Gene: ANXA11 (annexin A11; minus strand). Cytogenetic location: 10q22.3.
Variant type: Deletion.
Coding change: c.1488_1499del on transcript NM_145868.2 (MANE Select); coding-DNA positions 1488 to 1499, 12 bases deleted (TCTGCTGAAGAT).
Protein change: p.Leu497_Ile500del.
Molecular consequence: inframe deletion.
Genome position (GRCh38, 1-based): chr10:80,155,872-80,155,883, ATCTTCAGCAGA deleted on the plus strand (TCTGCTGAAGAT on the coding strand, the reverse complement: ANXA11 is on the minus strand); deleting any 12 consecutive bases within chr10:80,155,872-80,155,889 gives the same sequence; the c. name uses the placement nearest the transcript's 3' end. VCF-style (leftmost placement, unchanged base first): chr10-80155871-GATCTTCAGCAGA-G. GRCh37 (hg19) VCF-style: chr10-81915627-GATCTTCAGCAGA-G.
Other names: c.1488_1499del, p.Leu497_Ile500del (NM_001157.3, NM_001278407.2, NM_001278408.2 and 1 more transcripts); c.1389_1400del, p.Leu464_Ile467del (NM_001278409.2).
Identifiers: ClinVar variation 4852290 (VCV004852290.1).
Genomic context (GRCh38, chr10:80,155,871, plus strand): 5'-GTGTTGCCGGCAGGTGGGCAGAAGTGAGCCACCAGTCACTGTTCAGTCATTGCCACCACA[GATCTTCAGCAGA>G]ATCTTCCGGTAATCCCCTGAAGTATCTCCCTGGCCACAGAAACAAGGAAGACATCCGTTA-3'

ClinVar aggregate classification (germline): Likely benign (1 of 4 stars; one submission).

Conditions:
Inclusion body myopathy and brain white matter abnormalities (IBMWMA). Also called: MULTISYSTEM PROTEINOPATHY 6. Identifiers: MedGen C5676909, MONDO:0850514, OMIM 619733.

Submission:

Centre for Medical Genetics,  Mumbai
Classification: Likely benign for Inclusion body myopathy and brain white matter abnormalities. Last evaluated: 2026-05-05. Review status: criteria provided, single submitter. Criteria: ACMG Guidelines, 2015. Collection method: provider interpretation. Allele origin: germline. Inheritance: Autosomal dominant inheritance. Affected: no. Observed: 1 variant allele, 1 heterozygote.
Comment: The variant satisfies PM2 criteria - extremely low frequency in gnomAD population databases. The variant satisfies PM4 criteria - protein length changes resulting from in-frame deletions/insertions in a non-repeat region or a stop-loss variant. However, the variant satisfies BS2 criteria - present in heterozygous state in an individual that clinically does not have Inclusion body myopathy and brain white matter abnormalities.

Literature cited by the submitters: PubMed 34048612.